The following is an entry in ClinVar:

NM_001159699.2(FHL1):c.536T>G (p.Val179Gly)

Gene: FHL1 (four and a half LIM domains 1; plus strand). Cytogenetic location: Xq26.3.
Variant type: single nucleotide variant.
Coding change: c.536T>G on transcript NM_001159699.2 (MANE Select); coding-DNA position 536, T replaced by G.
Protein change: p.Val179Gly; replaces valine 179 with glycine.
Molecular consequence: missense variant. On other transcripts: non-coding transcript variant (1).
Genome position (GRCh38, 1-based): chrX:136,207,948, T>G. VCF-style: chrX-136207948-T-G. GRCh37 (hg19) VCF-style: chrX-135290107-T-G.
Other names: c.488T>G, p.Val163Gly (NM_001159700.2, NM_001159702.3, NM_001159703.2 and 9 more transcripts); c.575T>G, p.Val192Gly (NM_001159701.2); c.536T>G, p.Val179Gly (NM_001330659.2); short protein forms V163G, V179G, V192G.
Identifiers: ClinVar variation 432741 (VCV000432741.6), dbSNP rs1556639237, ClinGen allele CA414608646.
Genomic context (GRCh38, chrX:136,207,948, plus strand): 5'-CTAAAGGGGAGGACTTCTACTGCGTGACTTGCCATGAGACCAAGTTTGCCAAGCATTGCG[T>G]GAAGTGCAACAAGGTATGCTTTCAAGGGAGTTCTGCATTGACCGTTGTTTCTAGAAGTGT-3'
Protein context (NP_001153171.1, residues 169-189): CHETKFAKHC[Val179Gly]KCNKAITSGG

ClinVar aggregate classification (germline): Uncertain significance. Review status: criteria provided, multiple submitters, no conflicts (2 of 4 stars). 2 submissions from 2 submitters: Uncertain significance (2). Last evaluated 2024-07-03.

Conditions:
X-linked myopathy with postural muscle atrophy. Also called: FHL1-Related Emery-Dreifuss Muscular Dystrophy, X-Linked. Identifiers: Orphanet 178461, MedGen C2678055, MONDO:0010401, OMIM 300696.

Submissions (2):

GeneDx
Classification: Uncertain significance. Last evaluated: 2024-07-03. Review status: criteria provided, single submitter. Criteria: GeneDx Variant Classification Process June 2021. Collection method: clinical testing. Allele origin: germline. Affected: yes.
Comment: Not observed at significant frequency in large population cohorts (gnomAD); In silico analysis supports that this missense variant has a deleterious effect on protein structure/function; Has not been previously published as pathogenic or benign to our knowledge

Labcorp Genetics (formerly Invitae), Labcorp
Classification: Uncertain significance for X-linked myopathy with postural muscle atrophy. Last evaluated: 2024-05-10. Review status: criteria provided, single submitter. Criteria: Invitae Variant Classification Sherloc (09022015). Collection method: clinical testing. Allele origin: germline.
Comment: This sequence change replaces valine, which is neutral and non-polar, with glycine, which is neutral and non-polar, at codon 163 of the FHL1 protein (p.Val163Gly). This variant is not present in population databases (gnomAD no frequency). This variant has not been reported in the literature in individuals affected with FHL1-related conditions. ClinVar contains an entry for this variant (Variation ID: 432741). An algorithm developed to predict the effect of missense changes on protein structure and function (PolyPhen-2) suggests that this variant is likely to be disruptive. In summary, the available evidence is currently insufficient to determine the role of this variant in disease. Therefore, it has been classified as a Variant of Uncertain Significance.